The following is an entry in ClinVar:

NM_012431.3(SEMA3E):c.1393A>C (p.Thr465Pro)

Gene: SEMA3E (semaphorin 3E; minus strand). Cytogenetic location: 7q21.11.
Variant type: single nucleotide variant.
Coding change: c.1393A>C on transcript NM_012431.3 (MANE Select); coding-DNA position 1393, A replaced by C.
Protein change: p.Thr465Pro; replaces threonine 465 with proline.
Molecular consequence: missense variant.
Genome position (GRCh38, 1-based): chr7:83,396,703, T>G on the plus strand (A>C on the coding strand, the complement: SEMA3E is on the minus strand). VCF-style: chr7-83396703-T-G. GRCh37 (hg19) VCF-style: chr7-83026019-T-G.
Other names: c.1213A>C, p.Thr405Pro (NM_001178129.2); short protein forms T465P, T405P.
Identifiers: ClinVar variation 2100405 (VCV002100405.4), dbSNP rs1272075818, ClinGen allele CA367925404.

ClinVar aggregate classification (germline): Uncertain significance (1 of 4 stars; one submission).

Conditions:
CHARGE syndrome (CHARGE). Also called: Hittner Hirsch Kreh syndrome; CHARGE ASSOCIATION--COLOBOMA, HEART ANOMALY, CHOANAL ATRESIA, RETARDATION, GENITAL AND EAR ANOMALIES; Coloboma, heart anomaly, choanal atresia, retardation, genital and ear anomalies; CHARGE association; Hall-Hittner syndrome. Identifiers: Orphanet 138, MedGen C0265354, MONDO:0008965.

Allele frequency attached by ClinVar (database versions not stated): TOPMed below 0.00001; gnomAD exomes 0.00001.
gnomAD v4.1: 8 of 1,604,268 alleles (0.0005%); highest among the groups gnomAD compares: Non-Finnish European, 0.00068%; no homozygotes.

Submission:

Labcorp Genetics (formerly Invitae), Labcorp
Classification: Uncertain significance for CHARGE syndrome. Last evaluated: 2022-02-20. Review status: criteria provided, single submitter. Criteria: Invitae Variant Classification Sherloc (09022015). Collection method: clinical testing. Allele origin: germline.
Comment: In summary, the available evidence is currently insufficient to determine the role of this variant in disease. Therefore, it has been classified as a Variant of Uncertain Significance. Algorithms developed to predict the effect of missense changes on protein structure and function are either unavailable or do not agree on the potential impact of this missense change (SIFT: "Deleterious"; PolyPhen-2: "Probably Damaging"; Align-GVGD: "Class C0"). This variant has not been reported in the literature in individuals affected with SEMA3E-related conditions. This variant is present in population databases (no rsID available, gnomAD 0.0009%). This sequence change replaces threonine, which is neutral and polar, with proline, which is neutral and non-polar, at codon 465 of the SEMA3E protein (p.Thr465Pro).